The following is an entry in ClinVar:

NC_000008.10:g.(?_100533117)_(100568891_?)del

Gene: VPS13B (vacuolar protein sorting 13 homolog B; plus strand). Cytogenetic location: 8q22.2.
Variant type: Deletion.
Identifiers: ClinVar variation 1076763 (VCV001076763.5).

ClinVar aggregate classification (germline): Pathogenic (1 of 4 stars; one submission).

Conditions:
Cohen syndrome (COH1). Also called: PEPPER SYNDROME; Cutis verticis gyrata, retinitis pigmentosa, and sensorineural deafness. Identifiers: Orphanet 193, MedGen C0265223, MONDO:0008999, OMIM 216550.

Submission:

Labcorp Genetics (formerly Invitae), Labcorp
Classification: Pathogenic for Cohen syndrome. Last evaluated: 2020-07-02. Review status: criteria provided, single submitter. Criteria: Invitae Variant Classification Sherloc (09022015). Collection method: clinical testing. Allele origin: germline.
Comment: For these reasons, this variant has been classified as Pathogenic. Loss-of-function variants in VPS13B are known to be pathogenic (PMID: 15141358, 16648375, 20461111). This variant has not been reported in the literature in individuals with VPS13B-related conditions. This variant is an out-of-frame deletion of the genomic region encompassing exon 30-31 of the VPS13B gene. This is expected to create a premature translational stop signal and result in an absent or disrupted protein product.

Literature cited by the submitters: PubMed 15141358; PubMed 16648375; PubMed 20461111.